The following is an entry in ClinVar:

NM_015272.5(RPGRIP1L):c.2468_2477del (p.Ala823fs)

Gene: RPGRIP1L (RPGRIP1 like; minus strand). Cytogenetic location: 16q12.2.
Variant type: Deletion.
Coding change: c.2468_2477del on transcript NM_015272.5 (MANE Select); coding-DNA positions 2468 to 2477, 10 bases deleted (CAGACCATGA; older notation c.2468_2477delCAGACCATGA).
Protein change: p.Ala823fs; shifts the reading frame from alanine 823.
Molecular consequence: frameshift variant.
Genome position (GRCh38, 1-based): chr16:53,645,831-53,645,840, TCATGGTCTG deleted on the plus strand (CAGACCATGA on the coding strand, the reverse complement: RPGRIP1L is on the minus strand). VCF-style (leftmost placement, unchanged base first): chr16-53645830-ATCATGGTCTG-A. GRCh37 (hg19) VCF-style: chr16-53679742-ATCATGGTCTG-A.
Other names: c.2468_2477del10 (NM_015272.4); c.2468_2477delCAGACCATGA (NM_015272.4); c.2468_2477del, p.Ala823fs (NM_001127897.4, NM_001308334.3, NM_001330538.2); short protein forms A823fs.
Identifiers: ClinVar variation 944314 (VCV000944314.11), dbSNP rs771129715, ClinGen allele CA8057534.

ClinVar aggregate classification (germline): Pathogenic/Likely pathogenic. Review status: criteria provided, multiple submitters, no conflicts (2 of 4 stars). 4 submissions from 4 submitters: Pathogenic (1); Likely pathogenic (2). 1 of the submissions does not count toward it. Last evaluated 2025-01-24.

Conditions:
Joubert syndrome. Also called: Familial aplasia of the vermis; JOUBERT-BOLTSHAUSER SYNDROME. Identifiers: Orphanet 475, MedGen C5979921, MONDO:0018772.
Joubert syndrome 7 (JBTS7). Identifiers: Orphanet 220497, MedGen C1969053, MONDO:0012694, OMIM 611560.
COACH syndrome 3. Identifiers: MedGen C5436841, MONDO:0030862, OMIM 619113.
Meckel syndrome, type 5 (MKS5). Identifiers: Orphanet 564, MedGen C1969052, MONDO:0012695, OMIM 611561.
Meckel-Gruber syndrome. Also called: Dysencephalia splachnocystica; DYSENCEPHALIA SPLANCHNOCYSTICA; GRUBER SYNDROME. Identifiers: Orphanet 564, MedGen C0265215, MONDO:0018921.
RPGRIP1L-related disorder. Also called: RPGRIP1L-related condition; RPGRIP1L-related disorders. Identifiers: MedGen CN239416.

Allele frequency attached by ClinVar (database versions not stated): ExAC 0.00001; gnomAD 0.00001; gnomAD exomes 0.00001.

Submissions (4):

Natera, Inc.
Classification: Likely pathogenic for Joubert syndrome. Last evaluated: 2025-01-24. Review status: criteria provided, single submitter. Criteria: Natera Variant Classification Schema (03/2026). Collection method: clinical testing. Allele origin: germline.
Comment: The c.2468_2477delCAGACCATGA variant in RPGRIP1L is a frameshift variant predicted to shift the reading frame beginning at codon 823 and leads to a stop codon 23 codons downstream. This variant is expected to result in nonsense mediated decay, truncation, or a dysfunctional protein product. This variant is rare in the general population with a frequency below the threshold expected for the associated phenotype(s). Given the available evidence, this variant is classified as Likely Pathogenic.

Fulgent Genetics
Classification: Likely pathogenic for Joubert syndrome 7; Meckel syndrome, type 5; COACH syndrome 3. Last evaluated: 2024-06-04. Review status: criteria provided, single submitter. Criteria: ACMG Guidelines, 2015. Collection method: clinical testing. Allele origin: germline.

Labcorp Genetics (formerly Invitae), Labcorp
Classification: Pathogenic for Joubert syndrome; Meckel-Gruber syndrome. Last evaluated: 2024-05-15. Review status: criteria provided, single submitter. Criteria: Invitae Variant Classification Sherloc (09022015). Collection method: clinical testing. Allele origin: germline.
Comment: This sequence change creates a premature translational stop signal (p.Ala823Valfs*23) in the RPGRIP1L gene. It is expected to result in an absent or disrupted protein product. Loss-of-function variants in RPGRIP1L are known to be pathogenic (PMID: 17558409). This variant is present in population databases (rs771129715, gnomAD 0.003%). This variant has not been reported in the literature in individuals affected with RPGRIP1L-related conditions. ClinVar contains an entry for this variant (Variation ID: 944314). For these reasons, this variant has been classified as Pathogenic.

PreventionGenetics, part of Exact Sciences
Classification: Likely pathogenic for RPGRIP1L-related condition. Last evaluated: 2024-04-09. Review status: no assertion criteria provided. Collection method: clinical testing. Allele origin: germline. Not counted in ClinVar's aggregate classification.
Comment: The RPGRIP1L c.2468_2477del10 variant is predicted to result in a frameshift and premature protein termination (p.Ala823Valfs*23). This variant has been reported in study assessing carrier frequency of autosomal recessive variants in inherited retinal disease (Hanany et al. 2020. PubMed ID: 31964843). This variant is reported in 0.0026% of alleles in individuals of European (non-Finnish) descent in gnomAD. Frameshift variants in RPGRIP1L are expected to be pathogenic. This variant is interpreted as likely pathogenic.

Literature cited by the submitters: PubMed 17558409 (cited by Labcorp Genetics (formerly Invitae), Labcorp).